The following is an entry in ClinVar:

NM_006389.5(HYOU1):c.2938+14C>T

Gene: HYOU1 (hypoxia up-regulated 1; minus strand). Cytogenetic location: 11q23.3.
Variant type: single nucleotide variant.
Coding change: c.2938+14C>T on transcript NM_006389.5 (MANE Select); 14 bases into the intron after coding-DNA position 2938, C replaced by T.
Molecular consequence: intron variant.
Genome position (GRCh38, 1-based): chr11:119,045,767, G>A on the plus strand (C>T on the coding strand, the complement: HYOU1 is on the minus strand). VCF-style: chr11-119045767-G-A. GRCh37 (hg19) VCF-style: chr11-118916479-G-A.
Other names: c.2938+14C>T (NM_001130991.3).
Identifiers: ClinVar variation 2045387 (VCV002045387.4), dbSNP rs782254110, ClinGen allele CA229615856.

ClinVar aggregate classification (germline): Uncertain significance (1 of 4 stars; one submission).

Allele frequency attached by ClinVar (database versions not stated): gnomAD exomes 0.00001.
gnomAD v4.1: 8 of 1,613,176 alleles (0.0005%); highest among the groups gnomAD compares: South Asian, 0.0055%; no homozygotes.

Submission:

Labcorp Genetics (formerly Invitae), Labcorp
Classification: Uncertain significance. Last evaluated: 2022-12-29. Review status: criteria provided, single submitter. Criteria: Invitae Variant Classification Sherloc (09022015). Collection method: clinical testing. Allele origin: germline.
Comment: In summary, the available evidence is currently insufficient to determine the role of this variant in disease. Therefore, it has been classified as a Variant of Uncertain Significance. This variant has not been reported in the literature in individuals affected with HYOU1-related conditions. This variant is present in population databases (rs782254110, gnomAD 0.006%). This sequence change falls in intron 25 of the HYOU1 gene. It does not directly change the encoded amino acid sequence of the HYOU1 protein.